The following is an entry in ClinVar:

NM_001267550.2(TTN):c.67495C>T (p.Arg22499Ter)

Genes: TTN (titin; minus strand), TTN-AS1 (TTN antisense RNA 1; plus strand), LOC126806423 (CDK7 strongly-dependent group 2 enhancer GRCh37_chr2:179443309-179444508; plus strand). Cytogenetic location: 2q31.2.
Variant type: single nucleotide variant.
Coding change: c.67495C>T on transcript NM_001267550.2 (MANE Select); coding-DNA position 67495, C replaced by T.
Protein change: p.Arg22499Ter; replaces arginine 22499 with a stop codon.
Molecular consequence: nonsense.
Genome position (GRCh38, 1-based): chr2:178,579,702, G>A on the plus strand (C>T on the coding strand, the complement: TTN is on the minus strand). VCF-style: chr2-178579702-G-A. GRCh37 (hg19) VCF-style: chr2-179444429-G-A.
Other names: c.67495C>T (LRG_391t1); c.62572C>T, p.Arg20858Ter (NM_001256850.1); c.40300C>T, p.Arg13434Ter (NM_003319.4); c.59791C>T, p.Arg19931Ter (NM_133378.4); c.40675C>T, p.Arg13559Ter (NM_133432.3); c.40876C>T, p.Arg13626Ter (NM_133437.4); short protein forms R22499*, R20858*, R19931*, R13626*, R13434*, R13559*.
Identifiers: ClinVar variation 180573 (VCV000180573.38), dbSNP rs574660186, ClinGen allele CA346762.

ClinVar aggregate classification (germline): Pathogenic/Likely pathogenic. Review status: criteria provided, multiple submitters, no conflicts (2 of 4 stars). 18 submissions from 17 submitters: Pathogenic (12); Likely pathogenic (4). 2 of the submissions do not count toward it. Last evaluated 2026-05-15.

Conditions:
Cardiovascular phenotype. Identifiers: MedGen CN230736.
Hypertrophic cardiomyopathy 9. Also called: Familial hypertrophic cardiomyopathy 9. Identifiers: MedGen C1861065, MONDO:0013412, OMIM 613765.
Early-onset myopathy with fatal cardiomyopathy (CMYO5). Also called: Salih Myopathy; CONGENITAL MYOPATHY 5 WITH CARDIOMYOPATHY. Identifiers: Orphanet 289377, MedGen C2673677, MONDO:0012714, OMIM 611705. Disease mechanism: loss of function.
Dilated cardiomyopathy 1G (CMD1G). Identifiers: Orphanet 154, MedGen C1858763, MONDO:0011400, OMIM 604145.
TTN-related disorder. Also called: TTN-related disorders; TTN-related condition; TTN-related disease.
Autosomal recessive limb-girdle muscular dystrophy type 2J (LGMDR10). Also called: MUSCULAR DYSTROPHY, LIMB-GIRDLE, AUTOSOMAL RECESSIVE 10; Limb-girdle muscular dystrophy, type 2J. Identifiers: Orphanet 140922, MedGen C1837342, MONDO:0012127, OMIM 608807.
Primary familial dilated cardiomyopathy (FDC). Also called: Familial dilated cardiomyopathy; Hypokinetic dilated cardiomyopathy, familial. Identifiers: Orphanet 217607, MedGen C0340427, MONDO:0016333.
Tibial muscular dystrophy (TMD). Also called: UDD MYOPATHY; Tibial muscular dystrophy, tardive; Udd Distal Myopathy – Tibial Muscular Dystrophy. Identifiers: Orphanet 609, MedGen C1838244, MONDO:0010870, OMIM 600334.
Myopathy, myofibrillar, 9, with early respiratory failure (MFM9). Also called: EDSTROM MYOPATHY; Myopathy, distal, with early respiratory failure, autosomal dominant; Hereditary myopathy with early respiratory failure; MYOPATHY, PROXIMAL, WITH EARLY RESPIRATORY MUSCLE INVOLVEMENT. Identifiers: Orphanet 178464, Orphanet 34521, MedGen C1863599, MONDO:0011362, OMIM 603689.
Centronuclear myopathy (CNM). Also called: Centronuclear myopathy, congenital; Myotubular myopathy. Identifiers: Orphanet 595, MedGen C0175709, MONDO:0018947. Inheritance: All.
Feingold syndrome type 1 (FGLDS1). Also called: MICROCEPHALY AND DIGITAL ABNORMALITIES WITH NORMAL INTELLIGENCE; MICROCEPHALY, MENTAL RETARDATION, AND TRACHEOESOPHAGEAL FISTULA SYNDROME; MICROCEPHALY-OCULO-DIGITO-ESOPHAGEAL-DUODENAL SYNDROME; OCULODIGITOESOPHAGODUODENAL SYNDROME; ODED SYNDROME. Identifiers: Orphanet 1305, Orphanet 391641, MedGen C4551774, MONDO:0008115, OMIM 164280.
Primary dilated cardiomyopathy (DCM). Also called: Dilated Cardiomyopathy. Identifiers: Orphanet 217604, MedGen C0007193, MeSH D002311, MONDO:0005021, HP:0001644. Inheritance: Various modes of inheritance.

Allele frequency attached by ClinVar (database versions not stated): ExAC 0.00002; gnomAD exomes 0.00002; TOPMed 0.00002; gnomAD 0.00004; 1000 Genomes Project 30x 0.00016; 1000 Genomes Project 0.00020.

Submissions 1 to 7 of 18:

Women's Health and Genetics/Laboratory Corporation of America, LabCorp
Classification: Pathogenic for Primary familial dilated cardiomyopathy. Last evaluated: 2026-05-15. Review status: criteria provided, single submitter. Criteria: LabCorp Variant Classification Summary - May 2015. Collection method: clinical testing. Allele origin: germline.
Comment: Variant summary: TTN NM_133378:c.59791C>T (p.Arg19931X) (also known as NM_001267550:c.67495 (p.Arg22499X)) results in a premature termination codon, predicted to cause a truncation of the encoded protein or absence of the protein due to nonsense mediated decay, which are commonly known mechanisms for disease. Loss of function variants in all TTN bands are strongly associated with a spectrum of autosomal recessive titinopathies when exon expression (proportion spliced in, PSI, 1=complete expression) in skeletal muscle is >0.1 (PMID: 36977548, 39198997, 29598826, 32778822, 29691892, 33449170, 36977548, internal data). In contrast, loss of function variants in all TTN bands are only strongly associated with autosomal dominant TTN-related cardiomyopathies if located in exons constitutively expressed (PSI >0.9) in cardiac muscle, excluding extreme C-terminal exons 359-363 (PMID: 25589632, 31216868, 32964742, 34662387, 27869827, Shetty et al., Nat Cardiovasc Res 2024,, internal data). This variant is located in exon 319 in NM_001267550. This exon has a maximum skeletal muscle PSI of 0.924 and a maximum cardiac muscle PSI of 1 (PMID: 39198997). The variant allele was found at a frequency of 1.6e-05 in 248090 control chromosomes. c.59791C>T has been observed in the heterozygous state in individuals affected with dilated cardiomyopathy (e.g. Herman_2012, Khan_2022). It has also been reported as a biallelic genotype in individuals affected with autosomal recessive titinopathies (e.g. deFeraudy_2024, Estvez_2025). These data indicate that the variant is likely associated with disease. To our knowledge, no experimental evidence demonstrating an impact on protein function has been reported. The following publications have been ascertained in the context of this evaluation (PMID: 34315225, 39333429, 27437901, 22335739, 39472908, 34935411, 25589632, 38982518). ClinVar contains an entry for this variant (Variation ID: 180573). Based on the evidence outlined above, the variant was classified as pathogenic for both autosomal dominant and autosomal recessive TTN-related conditions.

Victorian Clinical Genetics Services, Murdoch Childrens Research Institute
Classification: Pathogenic for Dilated cardiomyopathy 1G. Last evaluated: 2026-04-17. Review status: criteria provided, single submitter. Criteria: ACMG Guidelines, 2015. Collection method: clinical testing. Allele origin: germline. Affected: yes.
Comment: This variant is classified as Pathogenic. Evidence in support of pathogenic classification: Variant is predicted to cause nonsense-mediated decay (NMD) and loss of protein (premature termination codon is located at least 54 nucleotides upstream of the final exon-exon junction); Variant is present in gnomAD <0.01 (v4: 50 heterozygote(s), 0 homozygote(s)); This variant has strong previous evidence of pathogenicity in unrelated individuals. This variant has been classified as likely pathogenic/pathogenic by multiple clinical laboratories in ClinVar. - Other NMD-predicted variants comparable to the one identified in this case have strong previous evidence for pathogenicity (ClinVar). Additional information: This variant is heterozygous; This gene is associated with both recessive and dominant disease (OMIM); Variant is located in the annotated A-band and the exon has a PSI score of 100% (PMID: 25589632); Loss of function is a known mechanism of disease in this gene. In addition, dominant negative is also a suggested mechanism (PMID: 25589632); The condition associated with this gene has incomplete penetrance. Variants in this gene that result in a premature termination codon (PTC) are known to have reduced penetrance in DCM (PMID: 25589632); Inheritance information for this variant is not currently available in this individual.

Labcorp Genetics (formerly Invitae), Labcorp
Classification: Pathogenic for Dilated cardiomyopathy 1G; Autosomal recessive limb-girdle muscular dystrophy type 2J. Last evaluated: 2026-01-27. Review status: criteria provided, single submitter. Criteria: Invitae Variant Classification Sherloc (09022015). Collection method: clinical testing. Allele origin: germline.
Comment: This sequence change creates a premature translational stop signal (p.Arg22499*) in the TTN gene. While this is not anticipated to result in nonsense mediated decay, it is expected to create a truncated TTN protein. This variant is present in population databases (rs574660186, gnomAD 0.02%). This premature translational stop signal has been observed in individuals with dilated cardiomyopathy (PMID: 22335739, 34935411). This variant is also known as c.62572C>T, p.Arg20858X. ClinVar contains an entry for this variant (Variation ID: 180573). This variant is located in the A band of TTN (PMID: 25589632). Truncating variants in this region are significantly overrepresented in patients affected with dilated cardiomyopathy (PMID: 25589632). Truncating variants in this region have also been reported in individuals affected with autosomal recessive centronuclear myopathy (PMID: 23975875). For these reasons, this variant has been classified as Pathogenic.

Genomic Medicine Center of Excellence, King Faisal Specialist Hospital and Research Centre
Classification: Pathogenic for Dilated cardiomyopathy 1G. Last evaluated: 2025-09-10. Review status: criteria provided, single submitter. Criteria: ACMG Guidelines, 2015. Collection method: clinical testing. Allele origin: germline.

Genomic Medicine Center of Excellence, King Faisal Specialist Hospital and Research Centre
Classification: Pathogenic for Feingold syndrome type 1. Last evaluated: 2024-12-17. Review status: criteria provided, single submitter. Criteria: ACMG Guidelines, 2015. Collection method: clinical testing. Allele origin: germline.

GeneDx
Classification: Pathogenic. Last evaluated: 2024-11-25. Review status: criteria provided, single submitter. Criteria: GeneDx Variant Classification Process June 2021. Collection method: clinical testing. Allele origin: germline. Affected: yes.
Comment: Nonsense variant predicted to result in protein truncation or nonsense mediated decay in a gene for which loss of function is a known mechanism of disease; Located in the A-band region of TTN in which the majority of loss of function variants have been associated with autosomal dominant titinopathies (PMID: 22335739); Not observed at significant frequency in large population cohorts (gnomAD); This variant is associated with the following publications: (PMID: 25589632, 27625338, 33534821, 33906374, 22335739, 36264615, 35177841, 31691645, 36396199, 35629941, 34935411, 25326635, 27437901, 33226272, 39310445, 39020067)

Blueprint Genetics
Classification: Pathogenic for TTN-related disorders. Last evaluated: 2024-10-24. Review status: criteria provided, single submitter. Criteria: ACMG Guidelines, 2015. Collection method: clinical testing. Allele origin: germline. Affected: yes. Observed: 5 variant alleles.